The following is an entry in ClinVar:

ClinVar aggregate classification (germline): Pathogenic (1 of 4 stars; one submission).

Conditions:
Ectodermal dysplasia 10A, hypohidrotic/hair/nail type, autosomal dominant (ECTD10A). Also called: Ectodermal Dysplasia 3, Anhidrotic. Identifiers: Orphanet 1810, Orphanet 238468, MedGen C3888065, MONDO:0007509, OMIM 129490.

Submission:

Hubei Key Laboratory of Stomatology, School & Hospital of Stomatology, Wuhan University
Classification: Pathogenic for Ectodermal dysplasia 10A, hypohidrotic/hair/nail type, autosomal dominant. Last evaluated: 2024-07-15. Review status: criteria provided, single submitter. Criteria: ACMG Guidelines, 2015. Collection method: research. Allele origin: inherited. Affected: yes.
Comment: This variant, EDAR c.1094dupA (p.(Asn365Lysfs*3), is classified as Pathogenic based on ACMG/AMP criteria PVS1, PM2, PP1, and PP4. The duplication introduces a frameshift that results in premature truncation of the protein, leading to loss of the majority of the death domain—an essential region for EDAR function—satisfying PVS1 (null variant in a gene where loss of function is a known mechanism of disease). The variant is absent from large population databases, fulfilling PM2. In the reported family, the variant co-segregates with the tooth agenesis phenotype, consistent with PP1. The proband and affected parent exhibit a phenotype that is highly specific for EDAR-related non-syndromic tooth agenesis, meeting PP4.

NM_022336.4(EDAR):c.1094dup (p.Asn365fs)

Genes: EDAR (ectodysplasin A receptor; minus strand), RANBP2 (RAN binding protein 2; plus strand). Cytogenetic location: 2q13.
Variant type: Duplication.
Coding change: c.1094dup on transcript NM_022336.4 (MANE Select); coding-DNA position 1094, one base duplicated (A; older notation c.1094dupA).
Protein change: p.Asn365fs; shifts the reading frame from asparagine 365.
Molecular consequence: frameshift variant.
Genome position (GRCh38, 1-based): chr2:108,897,160, T duplicated on the plus strand (A on the coding strand, the reverse complement: EDAR is on the minus strand); the first of 2 consecutive T bases (chr2:108,897,160-108,897,161); duplicating either gives the same sequence. VCF-style (leftmost placement, unchanged base first): chr2-108897159-G-GT. GRCh37 (hg19) VCF-style: chr2-109513615-G-GT.
Other names: c.1094dupA (NM_022336.4); short protein forms N365fs.
Identifiers: ClinVar variation 4533362 (VCV004533362.1).